The following is an entry in ClinVar:

ClinVar aggregate classification (germline): Uncertain significance (1 of 4 stars; one submission).

Submission:

GeneDx
Classification: Uncertain significance. Last evaluated: 2025-05-07. Review status: criteria provided, single submitter. Criteria: GeneDx Variant Classification Process June 2021. Collection method: clinical testing. Allele origin: germline. Affected: yes.
Comment: Not observed at significant frequency in large population cohorts (gnomAD); In silico analysis supports that this missense variant has a deleterious effect on protein structure/function; Has not been previously published as pathogenic or benign to our knowledge

NM_001127222.2(CACNA1A):c.946A>G (p.Thr316Ala)

Gene: CACNA1A (calcium voltage-gated channel subunit alpha1 A; minus strand). Cytogenetic location: 19p13.13.
Variant type: single nucleotide variant.
Coding change: c.946A>G on transcript NM_001127222.2 (MANE Select); coding-DNA position 946, A replaced by G.
Protein change: p.Thr316Ala; replaces threonine 316 with alanine.
Molecular consequence: missense variant.
Genome position (GRCh38, 1-based): chr19:13,359,638, T>C on the plus strand (A>G on the coding strand, the complement: CACNA1A is on the minus strand). VCF-style: chr19-13359638-T-C. GRCh37 (hg19) VCF-style: chr19-13470452-T-C.
Other names: c.946A>G, p.Thr316Ala (NM_000068.4, NM_001127221.2, NM_001174080.2 and 1 more transcripts); short protein forms T316A.
Identifiers: ClinVar variation 4528032 (VCV004528032.1).